The following is an entry in ClinVar:

ClinVar aggregate classification (germline): Uncertain significance. Review status: criteria provided, multiple submitters, no conflicts (2 of 4 stars). 3 submissions from 3 submitters: Uncertain significance (3). Last evaluated 2023-07-25.

Conditions:
Autosomal recessive limb-girdle muscular dystrophy type 2D (LGMDR3). Also called: MUSCULAR DYSTROPHY, LIMB-GIRDLE, AUTOSOMAL RECESSIVE 3; ADHALINOPATHY, PRIMARY; DUCHENNE-LIKE AUTOSOMAL RECESSIVE MUSCULAR DYSTROPHY, TYPE 2. Identifiers: Orphanet 62, MedGen C2936332, MONDO:0011968, OMIM 608099. Disease mechanism: Affects gamma-sarcoglycan and also disrupts the integrity of the entire sarcoglycan complex..

Allele frequency attached by ClinVar (database versions not stated): gnomAD 0.00001; TOPMed 0.00002; gnomAD exomes 0.00001.
gnomAD v4.1: 13 of 1,613,578 alleles (0.00081%); highest among the groups gnomAD compares: African/African-American, 0.0013%; no homozygotes.

Submissions (3):

Labcorp Genetics (formerly Invitae), Labcorp
Classification: Uncertain significance for Autosomal recessive limb-girdle muscular dystrophy type 2D. Last evaluated: 2023-07-25. Review status: criteria provided, single submitter. Criteria: Invitae Variant Classification Sherloc (09022015). Collection method: clinical testing. Allele origin: germline.
Comment: This sequence change replaces histidine, which is basic and polar, with arginine, which is basic and polar, at codon 239 of the SGCA protein (p.His239Arg). This variant is present in population databases (rs398123099, gnomAD 0.0009%). This variant has not been reported in the literature in individuals affected with SGCA-related conditions. ClinVar contains an entry for this variant (Variation ID: 92304). Advanced modeling of protein sequence and biophysical properties (such as structural, functional, and spatial information, amino acid conservation, physicochemical variation, residue mobility, and thermodynamic stability) has been performed at Invitae for this missense variant, however the output from this modeling did not meet the statistical confidence thresholds required to predict the impact of this variant on SGCA protein function. In summary, the available evidence is currently insufficient to determine the role of this variant in disease. Therefore, it has been classified as a Variant of Uncertain Significance.

Genome-Nilou Lab
Classification: Uncertain significance for Autosomal recessive limb-girdle muscular dystrophy type 2D. Last evaluated: 2023-02-08. Review status: criteria provided, single submitter. Criteria: ACMG Guidelines, 2015. Collection method: clinical testing. Allele origin: germline.

Eurofins Ntd Llc (ga)
Classification: Uncertain significance. Last evaluated: 2013-08-20. Review status: criteria provided, single submitter. Criteria: EGL Classification Definitions 2015. Collection method: clinical testing. Allele origin: germline. Observed: 1 variant allele, 1 heterozygote.

NM_000023.4(SGCA):c.716A>G (p.His239Arg)

Gene: SGCA (sarcoglycan alpha; plus strand). Cytogenetic location: 17q21.33.
Variant type: single nucleotide variant.
Coding change: c.716A>G on transcript NM_000023.4 (MANE Select); coding-DNA position 716, A replaced by G.
Protein change: p.His239Arg; replaces histidine 239 with arginine.
Molecular consequence: missense variant. On other transcripts: non-coding transcript variant (1), intron variant (1).
Genome position (GRCh38, 1-based): chr17:50,169,223, A>G. VCF-style: chr17-50169223-A-G. GRCh37 (hg19) VCF-style: chr17-48246584-A-G.
Other names: c.584+651A>G (NM_001135697.3); short protein forms H239R.
Identifiers: ClinVar variation 92304 (VCV000092304.13), dbSNP rs398123099, ClinGen allele CA220239.